The following is an entry in ClinVar:

ClinVar aggregate classification (germline): Pathogenic (1 of 4 stars; one submission).

Submission:

Clinical Genomics Laboratory, Laboratory for Precision Diagnostics, University of Washington
Classification: Pathogenic. Last evaluated: 2022-09-30. Review status: criteria provided, single submitter. Criteria: ACMG/ClinGen CNV Guidelines, 2019. Collection method: clinical testing. Allele origin: unknown. Affected: yes. Observed: 1 variant allele.
Comment: This is the 22q11.21 LCRA-D deletion found in the majority of people with 22q11.2 deletion syndrome.

Literature cited by the submitters: PubMed 25962607.

GRCh38/hg38 22q11.21(chr22:18857119-21109441)x1

Genes: AIFM3 (AIF family member 3; plus strand), ARVCF (ARVCF delta catenin family member; minus strand), C22orf39 (chromosome 22 open reading frame 39; minus strand), CCDC188 (coiled-coil domain containing 188; minus strand), CDC45 (cell division cycle 45; plus strand) and 173 more. Cytogenetic location: 22q11.21.
Variant type: copy number loss.
Change: copy number 1 (one copy instead of two) of chr22:18,857,119-21,109,441 (2.25 Mb, GRCh38 coordinates, 1-based), cytogenetic band 22q11.21.
Identifiers: ClinVar variation 4852061 (VCV004852061.1).